The following is an entry in ClinVar:

ClinVar aggregate classification (germline): Likely pathogenic (1 of 4 stars; one submission).

Conditions:
Primary dilated cardiomyopathy (DCM). Also called: Dilated Cardiomyopathy. Identifiers: Orphanet 217604, MedGen C0007193, MeSH D002311, MONDO:0005021, HP:0001644. Inheritance: Various modes of inheritance.
Arrhythmogenic right ventricular cardiomyopathy (ARVD). Also called: Arrhythmogenic cardiomyopathy; Cardiomyopathy, ARVC; Arrhythmogenic right ventricular dysplasia; Arrhythmogenic Right Ventricular Cardiomyopathy (ARVC). Identifiers: Orphanet 247, MedGen C0349788, MeSH D019571, MONDO:0016587. Disease mechanism: loss of function. Inheritance: Various modes of inheritance.

Submission:

Laboratory for Molecular Medicine, Mass General Brigham Personalized Medicine
Classification: Likely pathogenic for Arrhythmogenic right ventricular cardiomyopathy; Primary dilated cardiomyopathy. Last evaluated: 2018-05-24. Review status: criteria provided, single submitter. Criteria: LMM Criteria. Collection method: clinical testing. Allele origin: germline. Inheritance: Autosomal dominant inheritance. Observed: 1 variant allele.
Comment: The p.Ala1145fs variant in DSP has not been previously reported in individuals w ith cardiomyopathy and was absent from large population studies. This variant is located within exon 23 of DSP which undergoes alternative splicing resulting in two isoforms: one with a shorter and one with a longer form of this exon. This variant is located within both isoforms. This variant is predicted to cause a fr ameshift, which alters the protein?s amino acid sequence beginning at position 1 145 and leads to a premature termination codon 14 amino acids downstream. This a lteration is then predicted to lead to a truncated or absent protein. Frameshift and other loss-of-function variants in DSP have been reported in patients with ARVC and DCM. In summary, although additional studies are required to fully esta blish its clinical significance, the p.Ala1145fs variant is likely pathogenic. A CMG/AMP criteria applied: PVS1, PM2.

NM_004415.4(DSP):c.3434del (p.Ala1145fs)

Gene: DSP (desmoplakin; plus strand). Cytogenetic location: 6p24.3.
Variant type: Deletion.
Coding change: c.3434del on transcript NM_004415.4 (MANE Select); coding-DNA position 3434, one base deleted (C; older notation c.3434delC).
Protein change: p.Ala1145fs; shifts the reading frame from alanine 1145.
Molecular consequence: frameshift variant.
Genome position (GRCh38, 1-based): chr6:7,579,624, C deleted. VCF-style (leftmost placement, unchanged base first): chr6-7579623-GC-G. GRCh37 (hg19) VCF-style: chr6-7579856-GC-G.
Other names: c.3434del, p.Ala1145fs (NM_001008844.3, NM_001319034.2); short protein forms A1145fs.
Identifiers: ClinVar variation 667405 (VCV000667405.4), dbSNP rs1581815603, ClinGen allele CA913187625.